The following is an entry in ClinVar:

NC_000022.11:g.40346432C>G

Gene: ADSL (adenylosuccinate lyase; plus strand). Cytogenetic location: 22q13.1.
Variant type: single nucleotide variant.
Genome position: GRCh38 VCF-style: chr22-40346432-C-G. GRCh37 (hg19) VCF-style: chr22-40742436-C-G.
Identifiers: ClinVar variation 1373000 (VCV001373000.4), dbSNP rs190560535, ClinGen allele CA324446914.
Genomic context (GRCh38, chr22:40,346,432, plus strand): 5'-AACCAAGTCAATTCTCAGGCAGAAGCAGCGGAGATTCTCCGCAGCCGGCAGCGCCCAGGG[C>G]GCCCGGAACCCAGAGAGCGAGACCGCGTGAAGGAAGTCCCGCCCCGCCCCGTCCTGCCCT-3'

ClinVar aggregate classification (germline): Uncertain significance (1 of 4 stars; one submission).

Conditions:
Adenylosuccinate lyase deficiency (ADSLD). Also called: ADSL DEFICIENCY. Identifiers: Orphanet 46, MedGen C0268126, MONDO:0007068, OMIM 103050.

Submission:

Labcorp Genetics (formerly Invitae), Labcorp
Classification: Uncertain significance for Adenylosuccinate lyase deficiency. Last evaluated: 2024-12-16. Review status: criteria provided, single submitter. Criteria: Invitae Variant Classification Sherloc (09022015). Collection method: clinical testing. Allele origin: germline.
Comment: This variant occurs in a non-coding region of the ADSL gene. It does not change the encoded amino acid sequence of the ADSL protein. This variant is present in population databases (no rsID available, gnomAD 0.01%). This variant has not been reported in the literature in individuals affected with ADSL-related conditions. Experimental studies and prediction algorithms are not available or were not evaluated, and the functional significance of this variant is currently unknown. In summary, the available evidence is currently insufficient to determine the role of this variant in disease. Therefore, it has been classified as a Variant of Uncertain Significance.